The following is an entry in ClinVar:

ClinVar aggregate classification (germline): Uncertain significance. Review status: criteria provided, multiple submitters, no conflicts (2 of 4 stars). 4 submissions from 4 submitters: Uncertain significance (4). Last evaluated 2025-08-04.

Conditions:
Hyperplastic polyposis syndrome. Identifiers: Orphanet 157798, MedGen C4296896, MONDO:0015524.

Submissions (4):

Labcorp Genetics (formerly Invitae), Labcorp
Classification: Uncertain significance. Last evaluated: 2025-08-04. Review status: criteria provided, single submitter. Criteria: Invitae Variant Classification Sherloc (09022015). Collection method: clinical testing. Allele origin: germline.
Comment: This variant, c.2329_2331del, results in the deletion of 1 amino acid(s) of the RNF43 protein (p.Glu777del), but otherwise preserves the integrity of the reading frame. This variant is not present in population databases (gnomAD no frequency). This variant has not been reported in the literature in individuals affected with RNF43-related conditions. ClinVar contains an entry for this variant (Variation ID: 2885709). Experimental studies and prediction algorithms are not available or were not evaluated, and the functional significance of this variant is currently unknown. In summary, the available evidence is currently insufficient to determine the role of this variant in disease. Therefore, it has been classified as a Variant of Uncertain Significance.

Ambry Genetics
Classification: Uncertain significance. Last evaluated: 2025-05-14. Review status: criteria provided, single submitter. Criteria: Ambry Variant Classification Scheme 2023. Collection method: clinical testing. Allele origin: germline.
Comment: The c.2329_2331delGAG variant (also known as p.E777del) is located in coding exon 9 of the RNF43 gene. This variant results from an in-frame GAG deletion at nucleotide positions 2329 to 2331. This results in the in-frame deletion of a glutamic acid at codon 777. This amino acid position is well conserved in available vertebrate species. In addition, this variant is predicted to be neutral by in silico analysis (Choi Y et al. PLoS ONE. 2012; 7(10):e46688). The evidence for this gene-disease relationship is limited; therefore, the clinical significance of this alteration is unclear.

Department of Pathology and Laboratory Medicine, Sinai Health System
Classification: Uncertain significance for Hyperplastic polyposis syndrome. Last evaluated: 2023-12-18. Review status: criteria provided, single submitter. Criteria: ACMG Guidelines, 2015. Collection method: clinical testing. Allele origin: germline. Affected: yes.

GeneDx
Classification: Uncertain significance. Last evaluated: 2023-12-06. Review status: criteria provided, single submitter. Criteria: GeneDx Variant Classification Process June 2021. Collection method: clinical testing. Allele origin: germline. Affected: yes.
Comment: Not observed at significant frequency in large population cohorts (gnomAD); In-frame deletion of 1 amino acid in a non-repeat region; In silico analysis supports a deleterious effect on protein structure/function; Has not been previously published as pathogenic or benign to our knowledge; Variants in candidate genes are classified as variants of uncertain significance in accordance with ACMG guidelines (PMID: 25741868)

NM_017763.6(RNF43):c.2326GAG[1] (p.Glu777del)

Gene: RNF43 (ring finger protein 43; minus strand). Cytogenetic location: 17q22.
Variant type: Microsatellite.
Coding change: c.2326GAG[1] on transcript NM_017763.6 (MANE Select); one copy of the 3-base unit GAG starting at c.2326; the reference has two copies in a row; one copy, 3 bases deleted.
Protein change: p.Glu777del; deletes glutamic acid 777.
Molecular consequence: inframe deletion. On other transcripts: inframe indel (2).
Genome position (GRCh38, 1-based): chr17:58,354,964-58,354,966, CTC deleted on the plus strand (GAG on the coding strand, the reverse complement: RNF43 is on the minus strand); deleting any 3 consecutive bases within chr17:58,354,964-58,354,969 gives the same sequence; the position shown is the placement nearest the transcript's 3' end. VCF-style (leftmost placement, unchanged base first): chr17-58354963-GCTC-G. GRCh37 (hg19) VCF-style: chr17-56432324-GCTC-G.
Other names: c.2329_2331delGAG (NM_017763.4); c.2326_2328GAG[1], p.Glu777del (NM_001305544.3); c.1945_1947GAG[1], p.Glu650del (NM_001305545.2); short protein forms E777del, E650del.
Identifiers: ClinVar variation 2885709 (VCV002885709.6), dbSNP rs1972655356, ClinGen allele CA913013083.